The following is an entry in ClinVar:

ClinVar aggregate classification (germline): Conflicting classifications of pathogenicity. Review status: criteria provided, conflicting classifications (1 of 4 stars). 2 submissions from 2 submitters: Uncertain significance (1); Likely benign (1). Last evaluated 2025-11-10.

Conditions:
Neuroblastoma, susceptibility to, 3. Also called: ALK-Related Neuroblastic Tumor Susceptibility. Identifiers: Orphanet 635, MedGen C2751681, MONDO:0013083, OMIM 613014.
Hereditary cancer-predisposing syndrome. Also called: Neoplastic Syndromes, Hereditary; Hereditary neoplastic syndrome; Tumor predisposition; Hereditary Cancer Syndrome. Identifiers: Orphanet 140162, MedGen C0027672, MeSH D009386, MONDO:0015356.

gnomAD v4.1: 1 of 1,614,172 alleles (0.000062%); highest among the groups gnomAD compares: Non-Finnish European, 0.000085%; no homozygotes.

Submissions (2):

Ambry Genetics
Classification: Likely benign for Hereditary cancer-predisposing syndrome. Last evaluated: 2025-11-10. Review status: criteria provided, single submitter. Criteria: Ambry Variant Classification Scheme 2023. Collection method: clinical testing. Allele origin: germline.

Labcorp Genetics (formerly Invitae), Labcorp
Classification: Uncertain significance for Neuroblastoma, susceptibility to, 3. Last evaluated: 2025-04-30. Review status: criteria provided, single submitter. Criteria: Invitae Variant Classification Sherloc (09022015). Collection method: clinical testing. Allele origin: germline.
Comment: This sequence change replaces leucine, which is neutral and non-polar, with methionine, which is neutral and non-polar, at codon 347 of the ALK protein (p.Leu347Met). This variant is not present in population databases (gnomAD no frequency). This variant has not been reported in the literature in individuals affected with ALK-related conditions. ClinVar contains an entry for this variant (Variation ID: 1933571). An algorithm developed to predict the effect of missense changes on protein structure and function outputs the following: PolyPhen-2: "Benign". The methionine amino acid residue is found in multiple mammalian species, which suggests that this missense change does not adversely affect protein function. In summary, the available evidence is currently insufficient to determine the role of this variant in disease. Therefore, it has been classified as a Variant of Uncertain Significance.

NM_004304.5(ALK):c.1039C>A (p.Leu347Met)

Gene: ALK (ALK receptor tyrosine kinase; minus strand). Cytogenetic location: 2p23.2.
Variant type: single nucleotide variant.
Coding change: c.1039C>A on transcript NM_004304.5 (MANE Select); coding-DNA position 1039, C replaced by A.
Protein change: p.Leu347Met; replaces leucine 347 with methionine.
Molecular consequence: missense variant.
Genome position (GRCh38, 1-based): chr2:29,532,030, G>T on the plus strand (C>A on the coding strand, the complement: ALK is on the minus strand). VCF-style: chr2-29532030-G-T. GRCh37 (hg19) VCF-style: chr2-29754896-G-T.
Other names: c.1039C>A (NM_004304.4); short protein forms L347M.
Identifiers: ClinVar variation 1933571 (VCV001933571.7), dbSNP rs747355737, ClinGen allele CA346587401.